The following is an entry in ClinVar:

NM_000038.6(APC):c.1626+3A>G

Gene: APC (APC regulator of Wnt signaling pathway; plus strand). Cytogenetic location: 5q22.2.
Variant type: single nucleotide variant.
Coding change: c.1626+3A>G on transcript NM_000038.6 (MANE Select); 3 bases into the intron after coding-DNA position 1626, A replaced by G.
Molecular consequence: intron variant.
Genome position (GRCh38, 1-based): chr5:112,828,009, A>G. VCF-style: chr5-112828009-A-G. GRCh37 (hg19) VCF-style: chr5-112163706-A-G.
Other names: c.1626+3A>G (NM_001354895.2, NM_001127510.3); c.1656+3A>G (NM_001354897.2); c.1353+3A>G (NM_001354902.2); c.1572+3A>G (NM_001127511.3); c.1551+3A>G (NM_001354898.2); c.1248+3A>G (NM_001354904.2); c.777+3A>G (NM_001354906.2); c.1680+3A>G (NM_001354896.2); and 5 more.
Identifiers: ClinVar variation 411555 (VCV000411555.29), dbSNP rs1060503372, ClinGen allele CA16611623.

ClinVar aggregate classification (germline): Likely pathogenic. Review status: reviewed by expert panel (3 of 4 stars). 5 submissions from 5 submitters: Likely pathogenic (1). 4 of the submissions do not count toward it. Last evaluated 2023-02-19.

Conditions:
Familial adenomatous polyposis 1 (FAP1). Also called: FAMILIAL ADENOMATOUS POLYPOSIS 1, ATTENUATED; POLYPOSIS, ADENOMATOUS INTESTINAL. Identifiers: MedGen C2713442, MONDO:0021056, OMIM 175100. Disease mechanism: loss of function.
Hereditary cancer-predisposing syndrome. Also called: Tumor predisposition; Hereditary Cancer Syndrome; Hereditary neoplastic syndrome; Neoplastic Syndromes, Hereditary. Identifiers: Orphanet 140162, MedGen C0027672, MeSH D009386, MONDO:0015356.

Submissions (5):

ClinGen InSiGHT Hereditary Colorectal Cancer/Polyposis Variant Curation Expert Panel
Classification: Likely pathogenic for Familial adenomatous polyposis 1. Last evaluated: 2023-02-19. Review status: reviewed by expert panel. Criteria: ClinGen InSiGHT HCCP VCEP ACMG Specifications APC V1. Collection method: curation. Allele origin: germline. Inheritance: Autosomal dominant inheritance.
Comment: The c.1626+3A>G variant in APC is an intronic variant which is located at the 3rd nucleotide in intron 13. This variant has been reported in 4 probands meeting phenotypic criteria, resulting in a total phenotype score of 2 (PS4_Moderate, Ambry Genetics, GeneDX internal data). This variant is absent from gnomAD v2.1.1 (PM2_Supporting). The results from more than or equal to 2 in silico splicing predictors indicate that this variant may affect splicing by disrupting the donor splice site of intron 13 of APC (PP3). This is confirmed by RT-PCR which demonstrate that the variant impacts splicing by leading to an in-frame exon skipping event in exon 13 r.1549_1626del78 (p.Ala517_Gln542del) (PS3_Moderate, Ambry internal data). In summary, this variant meets the criteria to be classified as Likely Pathogenic for FAP based on the ACMG/AMP criteria applied, as specified by the ClinGen InSiGHT Hereditary Colorectal Cancer/Polyposis Variant Curation Expert Panel: PS3_Moderate, PS4_Moderate, PP3, PM2_Supporting (VCEP specifications version 1; date of approval: 12/12/2022).

Ambry Genetics
Classification: Pathogenic for Hereditary cancer-predisposing syndrome. Last evaluated: 2025-07-16. Review status: criteria provided, single submitter. Criteria: Ambry Variant Classification Scheme 2023. Collection method: clinical testing. Allele origin: germline. Not counted in ClinVar's aggregate classification.
Comment: The c.1626+3A>G intronic pathogenic variant results from an A to G substitution 3 nucleotides after coding exon 12 in the APC gene. This nucleotide position is highly conserved in available vertebrate species. This alteration has been observed in multiple individuals with a personal and/or family history that is consistent with APC-related disease (Ambry internal data). RNA studies have demonstrated that this alteration results in abnormal splicing in the set of samples tested (Ambry internal data). In silico splice site analysis for this alteration is inconclusive. This variant is considered to be rare based on population cohorts in the Genome Aggregation Database (gnomAD). Based on the supporting evidence, this alteration is interpreted as a disease-causing mutation.

Labcorp Genetics (formerly Invitae), Labcorp
Classification: Pathogenic for Familial adenomatous polyposis 1. Last evaluated: 2024-07-13. Review status: criteria provided, single submitter. Criteria: Invitae Variant Classification Sherloc (09022015). Collection method: clinical testing. Allele origin: germline. Not counted in ClinVar's aggregate classification.
Comment: This sequence change falls in intron 13 of the APC gene. It does not directly change the encoded amino acid sequence of the APC protein. RNA analysis indicates that this variant induces altered splicing and likely results in a shortened protein product. This variant is not present in population databases (gnomAD no frequency). This variant has been observed in individuals with clinical features of familial adenomatous polyposis (Invitae). ClinVar contains an entry for this variant (Variation ID: 411555). Variants that disrupt the consensus splice site are a relatively common cause of aberrant splicing (PMID: 17576681, 9536098). Studies have shown that this variant results in skipping of skipping of exon 13, but is expected to preserve the integrity of the reading-frame (Invitae). For these reasons, this variant has been classified as Pathogenic.

Color Diagnostics, LLC DBA Color Health
Classification: Uncertain significance for Hereditary cancer-predisposing syndrome. Last evaluated: 2022-11-18. Review status: criteria provided, single submitter. Criteria: ACMG Guidelines, 2015. Collection method: clinical testing. Allele origin: germline. Not counted in ClinVar's aggregate classification.
Comment: This variant causes an A to G nucleotide substitution at the +3 position of intron 13 of the APC gene. Splice site prediction tools predict that this variant may have a significant impact on RNA splicing. To our knowledge, functional studies have not been reported for this variant nor has this variant been reported in individuals affected with hereditary cancer in the literature. This variant has been observed in individuals showing features of familial adenomatous polyposis (communication with an external laboratory). This variant has not been identified in the general population by the Genome Aggregation Database (gnomAD). Although there is a suspicion for a pathogenic role, the available evidence is insufficient to determine the role of this variant in disease conclusively due to the lack of understanding of the variant impact on RNA splicing. Therefore, this variant is classified as a Variant of Uncertain Significance.

ARUP Laboratories, Molecular Genetics and Genomics, ARUP Laboratories
Classification: Uncertain significance. Last evaluated: 2019-04-26. Review status: criteria provided, single submitter. Criteria: ARUP Molecular Germline Variant Investigation Process. Collection method: clinical testing. Allele origin: germline. Not counted in ClinVar's aggregate classification.
Comment: The APC c.1626+3A>G variant (rs1060503372) has not been reported in the medical literature, but is listed as a variant of uncertain clinical significance in ClinVar (Variation ID: 411555). It is absent from general population databases (Exome Variant Server and Genome Aggregation Database), indicating it is not a common polymorphism. This variant is located at a highly conserved nucleotide adjacent to the splice consensus sequence, and computational algorithms (Alamut v.2.11) predict that it affects the nearby canonical splice donor. However, due to the limited information regarding this variant, its clinical significance cannot be determined with certainty.

Literature cited by the submitters: PubMed 17576681 (cited by Labcorp Genetics (formerly Invitae), Labcorp); PubMed 9536098 (cited by Labcorp Genetics (formerly Invitae), Labcorp).